The following is an entry in ClinVar:

NM_004304.5(ALK):c.1355G>A (p.Gly452Glu)

Gene: ALK (ALK receptor tyrosine kinase; minus strand). Cytogenetic location: 2p23.2.
Variant type: single nucleotide variant.
Coding change: c.1355G>A on transcript NM_004304.5 (MANE Select); coding-DNA position 1355, G replaced by A.
Protein change: p.Gly452Glu; replaces glycine 452 with glutamic acid.
Molecular consequence: missense variant.
Genome position (GRCh38, 1-based): chr2:29,328,409, C>T on the plus strand (G>A on the coding strand, the complement: ALK is on the minus strand). VCF-style: chr2-29328409-C-T. GRCh37 (hg19) VCF-style: chr2-29551275-C-T.
Other names: c.1355G>A (NM_004304.4); short protein forms G452E.
Identifiers: ClinVar variation 1376305 (VCV001376305.7), dbSNP rs2148258315, ClinGen allele CA346474288.
Genomic context (GRCh38, chr2:29,328,409, plus strand): 5'-CGGCACATCTGGCTCTCATCTTCTCCCTGGGCACAGTCCTGGTGGAAGTCACAGGCCTGC[C>T]CAAGCTGGAGGACTGTCCCATTCCAACAAGTGAAGGAGCTCTGCAGGGCCATCTTGGAGC-3'
Protein context (NP_004295.2, residues 442-462): TCWNGTVLQL[Gly452Glu]QACDFHQDCA

ClinVar aggregate classification (germline): Uncertain significance. Review status: criteria provided, multiple submitters, no conflicts (2 of 4 stars). 2 submissions from 2 submitters: Uncertain significance (2). Last evaluated 2025-09-20.

Conditions:
Hereditary cancer-predisposing syndrome. Also called: Tumor predisposition; Hereditary neoplastic syndrome; Neoplastic Syndromes, Hereditary; Hereditary Cancer Syndrome. Identifiers: Orphanet 140162, MedGen C0027672, MeSH D009386, MONDO:0015356.
Neuroblastoma, susceptibility to, 3. Also called: ALK-Related Neuroblastic Tumor Susceptibility. Identifiers: Orphanet 635, MedGen C2751681, MONDO:0013083, OMIM 613014.

gnomAD v4.1: 1 of 1,614,194 alleles (0.000062%); highest among the groups gnomAD compares: Non-Finnish European, 0.000085%; no homozygotes.

Submissions (2):

Labcorp Genetics (formerly Invitae), Labcorp
Classification: Uncertain significance for Neuroblastoma, susceptibility to, 3. Last evaluated: 2025-09-20. Review status: criteria provided, single submitter. Criteria: Invitae Variant Classification Sherloc (09022015). Collection method: clinical testing. Allele origin: germline.
Comment: This sequence change replaces glycine, which is neutral and non-polar, with glutamic acid, which is acidic and polar, at codon 452 of the ALK protein (p.Gly452Glu). This variant is not present in population databases (gnomAD no frequency). This variant has not been reported in the literature in individuals affected with ALK-related conditions. ClinVar contains an entry for this variant (Variation ID: 1376305). An algorithm developed to predict the effect of missense changes on protein structure and function (PolyPhen-2) suggests that this variant is likely to be disruptive. In summary, the available evidence is currently insufficient to determine the role of this variant in disease. Therefore, it has been classified as a Variant of Uncertain Significance.

Ambry Genetics
Classification: Uncertain significance for Hereditary cancer-predisposing syndrome. Last evaluated: 2025-07-10. Review status: criteria provided, single submitter. Criteria: Ambry Variant Classification Scheme 2023. Collection method: clinical testing. Allele origin: germline.
Comment: The p.G452E variant (also known as c.1355G>A), located in coding exon 6 of the ALK gene, results from a G to A substitution at nucleotide position 1355. The glycine at codon 452 is replaced by glutamic acid, an amino acid with similar properties. This amino acid position is conserved. In addition, this alteration is predicted to be deleterious by in silico analysis. Based on the available evidence, the clinical significance of this variant remains unclear.